The following is an entry in ClinVar:

NM_001361.5(DHODH):c.706-7G>A

Gene: DHODH (dihydroorotate dehydrogenase (quinone); plus strand). Cytogenetic location: 16q22.2.
Variant type: single nucleotide variant.
Coding change: c.706-7G>A on transcript NM_001361.5 (MANE Select); 7 bases into the intron before coding-DNA position 706, G replaced by A.
Molecular consequence: intron variant.
Genome position (GRCh38, 1-based): chr16:72,022,355, G>A. VCF-style: chr16-72022355-G-A. GRCh37 (hg19) VCF-style: chr16-72056254-G-A.
Other names: c.706-7G>A (NM_001361.4).
Identifiers: ClinVar variation 1528049 (VCV001528049.11), dbSNP rs761371223, ClinGen allele CA8158748.

ClinVar aggregate classification (germline): Likely benign. Review status: criteria provided, multiple submitters, no conflicts (2 of 4 stars). 3 submissions from 3 submitters: Likely benign (2). 1 of the submissions does not count toward it. Last evaluated 2025-03-25.

Conditions:
DHODH-related disorder. Also called: DHODH-related condition.

Allele frequency attached by ClinVar (database versions not stated): ExAC 0.00005; gnomAD 0.00006 and 0.00007; gnomAD exomes 0.00006 and 0.00014; TOPMed 0.00012; 1000 Genomes Project 30x 0.00031.
gnomAD v4.1: 87 of 1,550,636 alleles (0.0056%); highest among the groups gnomAD compares: Admixed American, 0.043%; 1 homozygote.

Submissions (3):

Labcorp Genetics (formerly Invitae), Labcorp
Classification: Likely benign. Last evaluated: 2025-03-25. Review status: criteria provided, single submitter. Criteria: Invitae Variant Classification Sherloc (09022015). Collection method: clinical testing. Allele origin: germline.

Blueprint Genetics
Classification: Likely benign. Last evaluated: 2022-08-01. Review status: criteria provided, single submitter. Criteria: ACMG Guidelines, 2015. Collection method: clinical testing. Allele origin: germline.

PreventionGenetics, part of Exact Sciences
Classification: Likely benign for DHODH-related condition. Last evaluated: 2020-01-08. Review status: no assertion criteria provided. Collection method: clinical testing. Allele origin: germline. Not counted in ClinVar's aggregate classification.
Comment: This variant is classified as likely benign based on ACMG/AMP sequence variant interpretation guidelines (Richards et al. 2015 PMID: 25741868, with internal and published modifications).